The following is an entry in ClinVar:

ClinVar aggregate classification (germline): Uncertain significance (1 of 4 stars; one submission).

Conditions:
Hereditary spastic paraplegia 54. Also called: Spastic paraplegia 54, autosomal recessive. Identifiers: Orphanet 320380, MedGen C3539495, MONDO:0014018, OMIM 615033.

Submission:

Juno Genomics, Hangzhou Juno Genomics, Inc
Classification: Uncertain significance for Hereditary spastic paraplegia 54. Review status: criteria provided, single submitter. Criteria: ACMG Guidelines, 2015. Collection method: clinical testing. Allele origin: germline.
Comment: Absent from controls (or at extremely low frequency if recessive) in Genome Aggregation Database.;Multiple lines of computational evidence support a deleterious effect on the gene or gene product.

NM_015214.3(DDHD2):c.2078T>A (p.Leu693His)

Gene: DDHD2 (DDHD domain containing 2; plus strand). Cytogenetic location: 8p11.23.
Variant type: single nucleotide variant.
Coding change: c.2078T>A on transcript NM_015214.3 (MANE Select); coding-DNA position 2078, T replaced by A.
Protein change: p.Leu693His; replaces leucine 693 with histidine.
Molecular consequence: missense variant. On other transcripts: non-coding transcript variant (2).
Genome position (GRCh38, 1-based): chr8:38,260,063, T>A. VCF-style: chr8-38260063-T-A. GRCh37 (hg19) VCF-style: chr8-38117581-T-A.
Other names: c.2078T>A, p.Leu693His (NM_001164232.2, NM_001362911.2, NM_001362912.2 and 1 more transcripts); c.1988T>A, p.Leu663His (NM_001362913.2); short protein forms L663H, L693H.
Identifiers: ClinVar variation 5007306 (VCV005007306.2).